The following is an entry in ClinVar:

NM_130384.3(ATRIP):c.2230G>T (p.Val744Phe)

Genes: ATRIP (ATR interacting protein; plus strand), ATRIP-TREX1 (ATRIP-TREX1 readthrough; plus strand). Cytogenetic location: 3p21.31.
Variant type: single nucleotide variant.
Coding change: c.2230G>T on transcript NM_130384.3 (MANE Select); coding-DNA position 2230, G replaced by T.
Protein change: p.Val744Phe; replaces valine 744 with phenylalanine.
Molecular consequence: missense variant. On other transcripts: non-coding transcript variant (1).
Genome position (GRCh38, 1-based): chr3:48,465,005, G>T. VCF-style: chr3-48465005-G-T. GRCh37 (hg19) VCF-style: chr3-48506404-G-T.
Other names: c.1849G>T, p.Val617Phe (NM_001271022.2); c.1951G>T, p.Val651Phe (NM_001271023.2); c.2149G>T, p.Val717Phe (NM_032166.4); short protein forms V617F, V651F, V744F, V717F.
Identifiers: ClinVar variation 2205148 (VCV002205148.5), dbSNP rs754066545, ClinGen allele CA2376436.
Genomic context (GRCh38, chr3:48,465,005, plus strand): 5'-GTGCTGCTGCTGCACGGCCTATCGCAGAAGGACAAGCTCTTCATGATGCACTGCGTGGAG[G>T]TCCTGCATCAGTTTGACCAGGTGATGCCGGGGGTCAGCATGCTCATCCGAGGGCTTCCTG-3'
Protein context (NP_569055.1, residues 734-754): DKLFMMHCVE[Val744Phe]LHQFDQVMPG

ClinVar aggregate classification (germline): Uncertain significance. Review status: criteria provided, multiple submitters, no conflicts (2 of 4 stars). 2 submissions from 2 submitters: Uncertain significance (2). Last evaluated 2024-11-22.

Allele frequency attached by ClinVar (database versions not stated): gnomAD exomes 0.00001; TOPMed 0.00002; ExAC 0.00004.
gnomAD v4.1: 15 of 1,614,058 alleles (0.00093%); highest among the groups gnomAD compares: African/African-American, 0.0013%; no homozygotes.

Submissions (2):

Ambry Genetics
Classification: Uncertain significance. Last evaluated: 2024-11-22. Review status: criteria provided, single submitter. Criteria: Ambry Variant Classification Scheme 2023. Collection method: clinical testing. Allele origin: germline.
Comment: The p.V744F variant (also known as c.2230G>T), located in coding exon 12 of the ATRIP gene, results from a G to T substitution at nucleotide position 2230. The valine at codon 744 is replaced by phenylalanine, an amino acid with highly similar properties. This amino acid position is conserved. In addition, this alteration is predicted to be deleterious by in silico analysis. Based on the available evidence, the clinical significance of this variant remains unclear.

Labcorp Genetics (formerly Invitae), Labcorp
Classification: Uncertain significance. Last evaluated: 2024-11-12. Review status: criteria provided, single submitter. Criteria: Invitae Variant Classification Sherloc (09022015). Collection method: clinical testing. Allele origin: germline.
Comment: This sequence change replaces valine, which is neutral and non-polar, with phenylalanine, which is neutral and non-polar, at codon 744 of the ATRIP protein (p.Val744Phe). This variant is present in population databases (rs754066545, gnomAD 0.007%). This variant has not been reported in the literature in individuals affected with ATRIP-related conditions. ClinVar contains an entry for this variant (Variation ID: 2205148). An algorithm developed to predict the effect of missense changes on protein structure and function (PolyPhen-2) suggests that this variant is likely to be disruptive. In summary, the available evidence is currently insufficient to determine the role of this variant in disease. Therefore, it has been classified as a Variant of Uncertain Significance.